The following is an entry in ClinVar:

ClinVar aggregate classification (germline): Uncertain significance (1 of 4 stars; one submission).

Allele frequency attached by ClinVar (database versions not stated): TOPMed below 0.00001; gnomAD 0.00001; gnomAD exomes 0.00001 and 0.00004; ExAC 0.00007.
gnomAD v4.1: 12 of 1,612,204 alleles (0.00074%); highest among the groups gnomAD compares: East Asian, 0.011%; no homozygotes.

Submission:

Labcorp Genetics (formerly Invitae), Labcorp
Classification: Uncertain significance. Last evaluated: 2021-11-15. Review status: criteria provided, single submitter. Criteria: Invitae Variant Classification Sherloc (09022015). Collection method: clinical testing. Allele origin: germline.
Comment: In summary, the available evidence is currently insufficient to determine the role of this variant in disease. Therefore, it has been classified as a Variant of Uncertain Significance. Algorithms developed to predict the effect of missense changes on protein structure and function output the following: SIFT: "Tolerated"; PolyPhen-2: "Benign"; Align-GVGD: "Class C0". The glutamine amino acid residue is found in multiple mammalian species, which suggests that this missense change does not adversely affect protein function. This variant has not been reported in the literature in individuals affected with CUL7-related conditions. This variant is present in population databases (rs779355111, gnomAD 0.03%). This sequence change replaces arginine, which is basic and polar, with glutamine, which is neutral and polar, at codon 1440 of the CUL7 protein (p.Arg1440Gln).

NM_014780.5(CUL7):c.4319G>A (p.Arg1440Gln)

Gene: CUL7 (cullin 7; minus strand). Cytogenetic location: 6p21.1.
Variant type: single nucleotide variant.
Coding change: c.4319G>A on transcript NM_014780.5 (MANE Select); coding-DNA position 4319, G replaced by A.
Protein change: p.Arg1440Gln; replaces arginine 1440 with glutamine.
Molecular consequence: missense variant.
Genome position (GRCh38, 1-based): chr6:43,038,963, C>T on the plus strand (G>A on the coding strand, the complement: CUL7 is on the minus strand). VCF-style: chr6-43038963-C-T. GRCh37 (hg19) VCF-style: chr6-43006701-C-T.
Other names: c.4415G>A, p.Arg1472Gln (NM_001168370.2, NM_001374872.1); c.4319G>A, p.Arg1440Gln (NM_001374873.1); c.4316G>A, p.Arg1439Gln (NM_001374874.1); short protein forms R1440Q, R1472Q, R1439Q.
Identifiers: ClinVar variation 1416356 (VCV001416356.5), dbSNP rs779355111, ClinGen allele CA3813237.
Genomic context (GRCh38, chr6:43,038,963, plus strand): 5'-TTCCCAAACTGCAGCTCAGCCCAGCCCAGCCACGTCCACTGCAGTCGCCTCTGTGAGCCT[C>T]GCTCAAGGGCAGGGTGGCTCTGACCTGGACCAGGAAGGGGGAGGGAGACAAAGAGCAGGT-3'
Protein context (NP_055595.2, residues 1430-1450): NKSQSHPALE[Arg1440Gln]GSQRRLQWTW